The following is an entry in ClinVar:

ClinVar aggregate classification (germline): Pathogenic/Likely pathogenic. Review status: criteria provided, multiple submitters, no conflicts (2 of 4 stars). 4 submissions from 4 submitters: Pathogenic (3); Likely pathogenic (1). Last evaluated 2025-10-14.

Conditions:
Hereditary cancer-predisposing syndrome. Also called: Neoplastic Syndromes, Hereditary; Hereditary Cancer Syndrome; Hereditary neoplastic syndrome; Tumor predisposition. Identifiers: Orphanet 140162, MedGen C0027672, MeSH D009386, MONDO:0015356.
Ataxia-telangiectasia syndrome (AT). Also called: ATAXIA-TELANGIECTASIA, COMPLEMENTATION GROUP A; ATAXIA-TELANGIECTASIA, FRESNO VARIANT; Ataxia-telangiectasia, complementation group E; Ataxia telangiectasia (A-T); LOUIS-BAR SYNDROME; Cerebello-oculocutaneous telangiectasia. Identifiers: Orphanet 100, MedGen C0004135, MONDO:0008840, OMIM 208900.

Submissions (4):

Color Diagnostics, LLC DBA Color Health
Classification: Pathogenic for Hereditary cancer-predisposing syndrome. Last evaluated: 2025-10-14. Review status: criteria provided, single submitter. Criteria: ACMG Guidelines, 2015. Collection method: clinical testing. Allele origin: germline.
Comment: This variant changes 1 nucleotide in exon 29 of the ATM gene, creating a premature translation stop signal. This variant is expected to result in an absent or non-functional protein product. This variant has been reported in an individual affected with breast cancer (PMID: 32658311). This variant has not been identified in the general population by the Genome Aggregation Database (gnomAD). Loss of ATM function is a known mechanism of disease. Based on the available evidence, this variant is classified as Pathogenic.

Ambry Genetics
Classification: Pathogenic for Hereditary cancer-predisposing syndrome. Last evaluated: 2023-11-09. Review status: criteria provided, single submitter. Criteria: Ambry Variant Classification Scheme 2023. Collection method: clinical testing. Allele origin: germline.
Comment: The p.L1448* pathogenic mutation (also known as c.4343T>G), located in coding exon 28 of the ATM gene, results from a T to G substitution at nucleotide position 4343. This changes the amino acid from a leucine to a stop codon within coding exon 28. This alteration is expected to result in loss of function by premature protein truncation or nonsense-mediated mRNA decay. As such, this alteration is interpreted as a disease-causing mutation.

Labcorp Genetics (formerly Invitae), Labcorp
Classification: Pathogenic for Ataxia-telangiectasia syndrome. Last evaluated: 2022-09-14. Review status: criteria provided, single submitter. Criteria: Invitae Variant Classification Sherloc (09022015). Collection method: clinical testing. Allele origin: germline.
Comment: This sequence change creates a premature translational stop signal (p.Leu1448*) in the ATM gene. It is expected to result in an absent or disrupted protein product. Loss-of-function variants in ATM are known to be pathogenic (PMID: 23807571, 25614872). This variant is not present in population databases (gnomAD no frequency). This premature translational stop signal has been observed in individual(s) with breast cancer (PMID: 32658311). ClinVar contains an entry for this variant (Variation ID: 824810). For these reasons, this variant has been classified as Pathogenic.

GeneDx
Classification: Likely pathogenic. Last evaluated: 2022-01-27. Review status: criteria provided, single submitter. Criteria: GeneDx Variant Classification Process June 2021. Collection method: clinical testing. Allele origin: germline. Affected: yes.
Comment: Nonsense variant predicted to result in protein truncation or nonsense mediated decay in a gene for which loss-of-function is a known mechanism of disease; Not observed at significant frequency in large population cohorts (gnomAD); Observed in individuals with a personal history of breast cancer in published literature (Akcay 2020) and not observed in controls; This variant is associated with the following publications: (PMID: 31345636, 32658311)

Literature cited by the submitters: PubMed 32658311 (cited by Color Diagnostics, LLC DBA Color Health and Labcorp Genetics (formerly Invitae), Labcorp); PubMed 23807571 (cited by Labcorp Genetics (formerly Invitae), Labcorp); PubMed 25614872 (cited by Labcorp Genetics (formerly Invitae), Labcorp).

NM_000051.4(ATM):c.4343T>G (p.Leu1448Ter)

Gene: ATM (ATM serine/threonine kinase; plus strand). Cytogenetic location: 11q22.3.
Variant type: single nucleotide variant.
Coding change: c.4343T>G on transcript NM_000051.4 (MANE Select); coding-DNA position 4343, T replaced by G.
Protein change: p.Leu1448Ter; replaces leucine 1448 with a stop codon.
Molecular consequence: nonsense.
Genome position (GRCh38, 1-based): chr11:108,289,708, T>G. VCF-style: chr11-108289708-T-G. GRCh37 (hg19) VCF-style: chr11-108160435-T-G.
Other names: c.4343T>G, p.Leu1448Ter (NM_001351834.2); short protein forms L1448*.
Identifiers: ClinVar variation 824810 (VCV000824810.10), dbSNP rs1591663285, ClinGen allele CA382531969.